The following is an entry in ClinVar:

ClinVar aggregate classification (germline): Uncertain significance. Review status: criteria provided, single submitter (1 of 4 stars). 2 submissions from 2 submitters: Uncertain significance (1). 1 of the submissions does not count toward it. Last evaluated 2025-07-09.

Conditions:
SOX9-related disorder. Also called: SOX9-related condition.

Allele frequency attached by ClinVar (database versions not stated): gnomAD exomes below 0.00001.

Submissions (2):

PreventionGenetics, part of Exact Sciences
Classification: Uncertain significance for SOX9-related condition. Last evaluated: 2025-07-09. Review status: criteria provided, single submitter. Criteria: ACMG Guidelines, 2015. Collection method: clinical testing. Allele origin: germline.
Comment: The SOX9 c.602A>G variant is predicted to result in the amino acid substitution p.Asn201Ser. To our knowledge, this variant has not been reported in the literature. This variant is reported in 0.00088% of alleles in individuals of European (Non-Finnish) descent in gnomAD. At this time, the clinical significance of this variant is uncertain due to the absence of conclusive functional and genetic evidence.

Genetic Services Laboratory, University of Chicago
Classification: Uncertain significance. Last evaluated: 2022-12-16. Review status: no assertion criteria provided. Collection method: clinical testing. Allele origin: germline. Affected: no. Not counted in ClinVar's aggregate classification.
Comment: DNA sequence analysis of the SOX9 gene demonstrated a sequence change, c.602A>G, in exon 2 that results in an amino acid change, p.Asn201Ser. This sequence change does not appear to have been previously described in individuals with SOX9-related disorders. This sequence change has been described in the gnomAD database in 1 individual which corresponds to a population frequency of 0.0004% (dbSNP rs1338326231). The p.Asn201Ser change affects a highly conserved amino acid residue located in a domain of the SOX9 protein that is not known to be functional. The p.Asn201Ser substitution appears to be benign using several in-silico pathogenicity prediction tools (SIFT, PolyPhen2, Align GVGD, REVEL). Due to insufficient evidences and the lack of functional studies, the clinical significance of the p.Asn201Ser change remains unknown at this time. Heterozygous pathogenic variants in the SOX9 gene are associated with campomelic dysplasia, with or without autosomal sex reversal [OMIM# 114290] characterized by short stature and skeletal abnormalities. Some karyotypic males have sex reversal.

NM_000346.4(SOX9):c.602A>G (p.Asn201Ser)

Gene: SOX9 (SRY-box transcription factor 9; plus strand). Cytogenetic location: 17q24.3.
Variant type: single nucleotide variant.
Coding change: c.602A>G on transcript NM_000346.4 (MANE Select); coding-DNA position 602, A replaced by G.
Protein change: p.Asn201Ser; replaces asparagine 201 with serine.
Molecular consequence: missense variant.
Genome position (GRCh38, 1-based): chr17:72,122,889, A>G. VCF-style: chr17-72122889-A-G. GRCh37 (hg19) VCF-style: chr17-70119030-A-G.
Other names: c.602A>G (NM_000346.3); short protein forms N201S.
Identifiers: ClinVar variation 2443269 (VCV002443269.3), dbSNP rs1338326231, ClinGen allele CA400866648.